The following is an entry in ClinVar:

NM_182760.4(SUMF1):c.63GCT[6] (p.Leu25_Ser26insLeuLeu)

Gene: SUMF1 (sulfatase modifying factor 1; minus strand). Cytogenetic location: 3p26.1.
Variant type: Microsatellite.
Coding change: c.63GCT[6] on transcript NM_182760.4 (MANE Select); six copies in a row of the 3-base unit GCT starting at c.63; the reference has four copies in a row; two copies, 6 bases duplicated.
Protein change: p.Leu25_Ser26insLeuLeu.
Molecular consequence: inframe insertion.
Genome position (GRCh38, 1-based): chr3:4,467,172-4,467,177, AGCAGC duplicated on the plus strand (GCTGCT on the coding strand, the reverse complement: SUMF1 is on the minus strand); duplicating any 6 consecutive bases within chr3:4,467,172-4,467,184 gives the same sequence; the position shown is the placement nearest the transcript's 3' end. VCF-style (leftmost placement, unchanged base first): chr3-4467171-G-GAGCAGC. GRCh37 (hg19) VCF-style: chr3-4508855-G-GAGCAGC.
Other names: c.63GCT[6], p.Leu25_Ser26insLeuLeu (NM_001164674.2, NM_001164675.2).
Identifiers: ClinVar variation 1937732 (VCV001937732.2), dbSNP rs755088862, ClinGen allele CA2230721.

ClinVar aggregate classification (germline): Uncertain significance (1 of 4 stars; one submission).

Conditions:
Multiple sulfatase deficiency (MSD). Also called: Mucosulfatidosis; Multiple Sulfatase Deficiency Disease; Sulfatidosis, Juvenile, Austin Type. Identifiers: Orphanet 585, MedGen C0268263, MONDO:0010088, OMIM 272200.

Submission:

Labcorp Genetics (formerly Invitae), Labcorp
Classification: Uncertain significance for Multiple sulfatase deficiency. Last evaluated: 2021-08-26. Review status: criteria provided, single submitter. Criteria: Invitae Variant Classification Sherloc (09022015). Collection method: clinical testing. Allele origin: germline.
Comment: This variant, c.69_74dup, results in the insertion of 2 amino acid(s) to the SUMF1 protein (p.Leu24_Leu25dup), but otherwise preserves the integrity of the reading frame. This variant is present in population databases (rs755088862, ExAC 0.02%). This variant has not been reported in the literature in individuals affected with SUMF1-related conditions. Experimental studies and prediction algorithms are not available or were not evaluated, and the functional significance of this variant is currently unknown. In summary, the available evidence is currently insufficient to determine the role of this variant in disease. Therefore, it has been classified as a Variant of Uncertain Significance.